The following is an entry in ClinVar:

ClinVar aggregate classification (germline): Pathogenic/Likely pathogenic. Review status: criteria provided, multiple submitters, no conflicts (2 of 4 stars). 11 submissions from 11 submitters: Pathogenic (9); Likely pathogenic (1). 1 of the submissions does not count toward it. Last evaluated 2025-12-01.

Conditions:
DHCR7-related disorder. Also called: DHCR7-related condition.
Smith-Lemli-Opitz syndrome (SLOS). Also called: LETHAL ACRODYSGENITAL SYNDROME; POLYDACTYLY, SEX REVERSAL, RENAL HYPOPLASIA, AND UNILOBAR LUNG; RSH SYNDROME; RUTLEDGE LETHAL MULTIPLE CONGENITAL ANOMALY SYNDROME; 7-Dehydrocholesterol reductase deficiency. Identifiers: Orphanet 818, MedGen C0175694, MONDO:0010035, OMIM 270400.
Inborn genetic diseases. Identifiers: MedGen C0950123, MeSH D030342.

Allele frequency attached by ClinVar (database versions not stated): TOPMed 0.00006.
gnomAD v4.1: 71 of 1,599,870 alleles (0.0044%); highest among the groups gnomAD compares: Non-Finnish European, 0.0046%; no homozygotes.

Submissions (11):

Labcorp Genetics (formerly Invitae), Labcorp
Classification: Pathogenic for Smith-Lemli-Opitz syndrome. Last evaluated: 2025-12-01. Review status: criteria provided, single submitter. Criteria: Invitae Variant Classification Sherloc (09022015). Collection method: clinical testing. Allele origin: germline.
Comment: This sequence change affects an acceptor splice site in intron 8 of the DHCR7 gene. While this variant is not anticipated to result in nonsense mediated decay, it likely alters RNA splicing and results in a disrupted protein product. This variant is present in population databases (rs138659167, gnomAD 0.05%). Disruption of this splice site has been observed in individuals with Smith-Lemli-Opitz syndrome (PMID: 10814720, 10995508, 11427181, 20104611, 23042628). ClinVar contains an entry for this variant (Variation ID: 305956). Variants that disrupt the consensus splice site are a relatively common cause of aberrant splicing (PMID: 17576681, 9536098). Algorithms developed to predict the effect of sequence changes on RNA splicing suggest that this variant may disrupt the consensus splice site. For these reasons, this variant has been classified as Pathogenic.

Natera, Inc.
Classification: Pathogenic for Smith-Lemli-Opitz syndrome. Last evaluated: 2025-10-08. Review status: criteria provided, single submitter. Criteria: Natera Variant Classification Schema (03/2026). Collection method: clinical testing. Allele origin: germline.
Comment: The c.964-1G>T variant in DHCR7 is a canonical splice acceptor site variant predicted to affect pre-mRNA splicing, which may result in an abnormal transcript and altered protein product. This variant may result in a truncated or dysfunctional protein product. This variant is rare in the general population with a frequency below the threshold expected for the associated phenotype(s). This variant has been observed in one or more individuals affected with the associated recessive disease, as either homozygous or compound heterozygous with a second variant (PMID: 22929031, 23042628). Another variant at this same site results in an alteration predicted to cause a similar molecular effect has been observed in individual(s) with the associated phenotype. Given the available evidence, this variant is classified as Pathogenic.

PreventionGenetics, part of Exact Sciences
Classification: Pathogenic for DHCR7-related condition. Last evaluated: 2024-12-30. Review status: criteria provided, single submitter. Criteria: ACMG Guidelines, 2015. Collection method: clinical testing. Allele origin: germline.
Comment: The DHCR7 c.964-1G>T variant is predicted to disrupt the AG splice acceptor site and interfere with normal splicing. This variant has been reported in the compound heterozygous state in individuals with Smith-Lemli-Opitz syndrome (described as IVS8-1G>T, Jira et al. 2001. PubMed ID: 11427181; Weaver et al. 2010. PubMed ID: 20104611). This variant is reported in 0.051% of alleles in individuals of European (Finnish) descent in gnomAD. Variants that disrupt the consensus splice acceptor site in DHCR7 are expected to be pathogenic. This variant is interpreted as pathogenic.

GeneDx
Classification: Pathogenic. Last evaluated: 2024-04-29. Review status: criteria provided, single submitter. Criteria: GeneDx Variant Classification Process June 2021. Collection method: clinical testing. Allele origin: germline. Affected: yes.
Comment: Canonical splice site variant expected to result in aberrant splicing, although in the absence of functional evidence the actual effect of this sequence change is unknown.; This variant is associated with the following publications: (PMID: 25525159, 28166604, 11427181, 23042628, 20104611, 9653161, 21777499, 22929031)

Fulgent Genetics
Classification: Pathogenic for Smith-Lemli-Opitz syndrome. Last evaluated: 2024-04-10. Review status: criteria provided, single submitter. Criteria: ACMG Guidelines, 2015. Collection method: clinical testing. Allele origin: germline.

Ambry Genetics
Classification: Pathogenic for Inborn genetic diseases. Last evaluated: 2021-11-29. Review status: criteria provided, single submitter. Criteria: Ambry Variant Classification Scheme 2023. Collection method: clinical testing. Allele origin: germline.
Comment: The c.964-1G>T intronic alteration consists of a G to T substitution one nucleotide before coding exon 7 of the DHCR7 gene. Alterations that disrupt the canonical splice site are expected to result in aberrant splicing. The resulting transcript is predicted to be in-frame and is not expected to trigger nonsense-mediated mRNA decay; however, direct evidence is unavailable. The exact functional effect of the altered amino acid sequence is unknown; however, the impacted region is critical for protein function (Ambry internal data). Based on data from gnomAD, the T allele has an overall frequency of 0.01% (17/262084) total alleles studied. The highest observed frequency was 0.05% (10/19724) of European (Finnish) alleles. This variant has been reported in the homozygous and compound heterozygous states in patients with Smith-Lemli-Opitz syndrome (SLOS) (Jira, 2001; Weaver, 2010; Lanthaler, 2013). In addition, another variant at this position (c.964-1G>C) is one of the most common DHCR7 mutations associated with SLOS (Witsch-Baumgartner, 2008). This nucleotide position is highly conserved in available vertebrate species. In silico splice site analysis predicts that this alteration will weaken the native splice acceptor site and will result in the creation or strengthening of a novel splice acceptor site. Based on the available evidence, this alteration is classified as pathogenic.

CeGaT Center for Human Genetics Tuebingen
Classification: Pathogenic. Last evaluated: 2020-12-01. Review status: criteria provided, single submitter. Criteria: CeGaT Center For Human Genetics Tuebingen Variant Classification Criteria Version 2. Collection method: clinical testing. Allele origin: germline. Affected: yes. Observed: 1 variant allele.

Centre for Mendelian Genomics, University Medical Centre Ljubljana
Classification: Pathogenic for Smith-Lemli-Opitz syndrome. Last evaluated: 2019-08-19. Review status: criteria provided, single submitter. Criteria: ACMG Guidelines, 2015. Collection method: clinical testing. Allele origin: unknown. Affected: yes.
Comment: This variant was classified as: Pathogenic. The following ACMG criteria were applied in classifying this variant: PVS1,PS1,PM2.

Women's Health and Genetics/Laboratory Corporation of America, LabCorp
Classification: Pathogenic for Smith-Lemli-Opitz syndrome. Last evaluated: 2018-11-29. Review status: criteria provided, single submitter. Criteria: LabCorp Variant Classification Summary - May 2015. Collection method: clinical testing. Allele origin: germline.
Comment: Variant summary: DHCR7 c.964-1G>T is located in a canonical splice-site and is predicted to affect mRNA splicing resulting in a significantly altered protein due to either exon skipping, shortening, or inclusion of intronic material. Several computational tools predict a significant impact on normal splicing: Five predict the variant abolishes a 3 acceptor site. However, these predictions have yet to be confirmed by functional studies. The variant allele was found at a frequency of 6.6e-05 in 259000 control chromosomes (gnomAD). This frequency is not significantly higher than expected for a pathogenic variant in DHCR7 causing Smith-Lemli-Opitz Syndrome (6.6e-05 vs 0.0043), allowing no conclusion about variant significance. The variant, c.964-1G>T, has been reported in the literature in compound heterozygote and homozygote individuals affected with Smith-Lemli-Opitz Syndrome (Jira_2001, Weaver_2010, Lanthaler_2013). These data indicate that the variant may be associated with disease. To our knowledge, no experimental evidence demonstrating an impact on protein function has been reported. Three ClinVar submissions from clinical diagnostic laboratories (evaluation after 2014) cites the variant as likely pathogenic/pathogenic. Based on the evidence outlined above, the variant was classified as pathogenic.

Illumina Laboratory Services, Illumina
Classification: Likely pathogenic for Smith-Lemli-Opitz syndrome. Last evaluated: 2017-04-27. Review status: criteria provided, single submitter. Criteria: ICSL Variant Classification Criteria 09 May 2019. Collection method: clinical testing. Allele origin: germline.
Comment: The DHCR7 c.964-1G>T variant occurs in a canonical splice site (acceptor) and is therefore predicted to disrupt or distort the normal gene product. The c.964-1G>T variant, which is also described as IVS8-1G>T, has been reported in two studies in which it is identified in three patients with Smith-Lemli-Opitz syndrome (SLOS), including one homozygote and two compound heterozygotes (Jira et al. 2001; Weaver et al. 2008; Lanthaler et al. 2013). This variant was also found in a heterozygous state in the father of one patient, who had abnormally low cholesterol levels. Control data are unavailable for this variant, which is reported at a frequency of 0.00666 in the European (Finnish) population of the Exome Aggregation Consortium database. Jira et al. (2001) noted that the c.964-1G>T variant occurs at the same position as the known pathogenic c.964-1G>C splice acceptor variant, which accounts for over 28% of all disease-causing alleles in SLOS. The c.964-1G>C variant disrupts the splice acceptor site of intron eight, which leads to the insertion of 134 base pairs of intronic sequence into the DHCR7 mRNA causing a frameshift and premature truncation, ultimately resulting in a non-functional protein product. The c.964-1G>T variant is predicted to result in the same non-functional protein. Based on the evidence and due to the potential impact of splice acceptor variants, the c.964-1G>T variant is classified as likely pathogenic for Smith-Lemli-Opitz syndrome. This variant was observed by ICSL as part of a predisposition screen in an ostensibly healthy population.

Counsyl
Classification: Pathogenic for Smith-Lemli-Opitz syndrome. Last evaluated: 2017-08-16. Review status: no assertion criteria provided. Collection method: clinical testing. Allele origin: unknown. Not counted in ClinVar's aggregate classification.

Literature cited by the submitters: PubMed 10814720 (cited by Labcorp Genetics (formerly Invitae), Labcorp); PubMed 10995508 (cited by Labcorp Genetics (formerly Invitae), Labcorp); PubMed 11427181 (cited by 4 submitters); PubMed 20104611 (cited by 5 submitters); PubMed 23042628 (cited by Labcorp Genetics (formerly Invitae), Labcorp and Natera, Inc.); PubMed 17576681 (cited by Labcorp Genetics (formerly Invitae), Labcorp); PubMed 9536098 (cited by Labcorp Genetics (formerly Invitae), Labcorp); PubMed 22929031 (cited by 5 submitters); PubMed 17965227 (cited by Ambry Genetics); PubMed 22382802 (cited by Women's Health and Genetics/Laboratory Corporation of America, LabCorp).

NM_001360.3(DHCR7):c.964-1G>T

Gene: DHCR7 (7-dehydrocholesterol reductase; minus strand). Cytogenetic location: 11q13.4.
Variant type: single nucleotide variant.
Coding change: c.964-1G>T on transcript NM_001360.3 (MANE Select); the canonical splice acceptor site of the intron before coding-DNA position 964, G replaced by T.
Molecular consequence: splice acceptor variant.
Genome position (GRCh38, 1-based): chr11:71,435,840, C>A on the plus strand (G>T on the coding strand, the complement: DHCR7 is on the minus strand). VCF-style: chr11-71435840-C-A. GRCh37 (hg19) VCF-style: chr11-71146886-C-A.
Other names: c.964-1G>T (NM_001163817.2).
Identifiers: ClinVar variation 305956 (VCV000305956.63), dbSNP rs138659167, ClinGen allele CA6162346.